The following is an entry in ClinVar:

NM_004444.5(EPHB4):c.998G>A (p.Arg333His)

Gene: EPHB4 (EPH receptor B4; minus strand). Cytogenetic location: 7q22.1.
Variant type: single nucleotide variant.
Coding change: c.998G>A on transcript NM_004444.5 (MANE Select); coding-DNA position 998, G replaced by A.
Protein change: p.Arg333His; replaces arginine 333 with histidine.
Molecular consequence: missense variant.
Genome position (GRCh38, 1-based): chr7:100,819,856, C>T on the plus strand (G>A on the coding strand, the complement: EPHB4 is on the minus strand). VCF-style: chr7-100819856-C-T. GRCh37 (hg19) VCF-style: chr7-100417478-C-T.
Other names: short protein forms R333H.
Identifiers: ClinVar variation 1768823 (VCV001768823.7), dbSNP rs1056350781, ClinGen allele CA163285139.

ClinVar aggregate classification (germline): Conflicting classifications of pathogenicity. Review status: criteria provided, conflicting classifications (1 of 4 stars). 2 submissions from 2 submitters: Uncertain significance (1); Likely benign (1). Last evaluated 2022-09-16.

Conditions:
Cardiovascular phenotype. Identifiers: MedGen CN230736.

Allele frequency attached by ClinVar (database versions not stated): gnomAD 0.00003; TOPMed 0.00003.
gnomAD v4.1: 27 of 1,550,812 alleles (0.0017%); highest among the groups gnomAD compares: African/African-American, 0.0096%; no homozygotes.

Submissions (2):

Labcorp Genetics (formerly Invitae), Labcorp
Classification: Uncertain significance. Last evaluated: 2022-09-16. Review status: criteria provided, single submitter. Criteria: Invitae Variant Classification Sherloc (09022015). Collection method: clinical testing. Allele origin: germline.
Comment: This sequence change replaces arginine, which is basic and polar, with histidine, which is basic and polar, at codon 333 of the EPHB4 protein (p.Arg333His). This variant is present in population databases (no rsID available, gnomAD 0.01%). This variant has not been reported in the literature in individuals affected with EPHB4-related conditions. Advanced modeling of protein sequence and biophysical properties (such as structural, functional, and spatial information, amino acid conservation, physicochemical variation, residue mobility, and thermodynamic stability) performed at Invitae indicates that this missense variant is not expected to disrupt EPHB4 protein function. In summary, the available evidence is currently insufficient to determine the role of this variant in disease. Therefore, it has been classified as a Variant of Uncertain Significance.

Ambry Genetics
Classification: Likely benign for Cardiovascular phenotype. Last evaluated: 2021-07-22. Review status: criteria provided, single submitter. Criteria: Ambry Variant Classification Scheme 2023. Collection method: clinical testing. Allele origin: germline.